The following is an entry in ClinVar:

ClinVar aggregate classification (germline): Likely benign (0 of 4 stars; one submission).

Conditions:
ITGAV-related disorder. Also called: ITGAV-related condition.

Allele frequency attached by ClinVar (database versions not stated): gnomAD exomes 0.00003; ExAC 0.00015; 1000 Genomes Project 30x 0.00031; 1000 Genomes Project 0.00040; gnomAD 0.00050; TOPMed 0.00054; ESP Exome Variant Server 0.00062.

Submission:

PreventionGenetics, part of Exact Sciences
Classification: Likely benign for ITGAV-related condition. Last evaluated: 2023-03-21. Review status: no assertion criteria provided. Collection method: clinical testing. Allele origin: germline.
Comment: This variant is classified as likely benign based on ACMG/AMP sequence variant interpretation guidelines (Richards et al. 2015 PMID: 25741868, with internal and published modifications).

NM_002210.5(ITGAV):c.1655C>T (p.Ser552Phe)

Genes: FAM171B-AS1 (FAM171B and ITGAV antisense RNA 1; minus strand), ITGAV (integrin subunit alpha V; plus strand). Cytogenetic location: 2q32.1.
Variant type: single nucleotide variant.
Coding change: c.1655C>T on transcript NM_002210.5 (MANE Select); coding-DNA position 1655, C replaced by T.
Protein change: p.Ser552Phe; replaces serine 552 with phenylalanine.
Molecular consequence: missense variant.
Genome position (GRCh38, 1-based): chr2:186,656,337, C>T. VCF-style: chr2-186656337-C-T. GRCh37 (hg19) VCF-style: chr2-187521064-C-T.
Other names: c.1517C>T, p.Ser506Phe (NM_001144999.3); c.1547C>T, p.Ser516Phe (NM_001145000.3); short protein forms S506F, S516F, S552F.
Identifiers: ClinVar variation 3036536 (VCV003036536.2), dbSNP rs146565475, ClinGen allele CA2018959.
Genomic context (GRCh38, chr2:186,656,337, plus strand): 5'-TCAAGCAAAAGGGAGCAATTCGACGAGCACTGTTTCTCTACAGCAGGTCCCCAAGTCACT[C>T]CAAGAACATGACTATTTCAAGGGGGGGACTGATGCAGTGTGAGGAATTGATAGCGTATCT-3'
Protein context (NP_002201.2, residues 542-562): LFLYSRSPSH[Ser552Phe]KNMTISRGGL